The following is an entry in ClinVar:

NM_006231.4(POLE):c.331G>C (p.Gly111Arg)

Gene: POLE (DNA polymerase epsilon, catalytic subunit; minus strand). Cytogenetic location: 12q24.33.
Variant type: single nucleotide variant.
Coding change: c.331G>C on transcript NM_006231.4 (MANE Select); coding-DNA position 331, G replaced by C.
Protein change: p.Gly111Arg; replaces glycine 111 with arginine.
Molecular consequence: missense variant.
Genome position (GRCh38, 1-based): chr12:132,680,046, C>G on the plus strand (G>C on the coding strand, the complement: POLE is on the minus strand). VCF-style: chr12-132680046-C-G. GRCh37 (hg19) VCF-style: chr12-133256632-C-G.
Other names: short protein forms G111R.
Identifiers: ClinVar variation 3655510 (VCV003655510.2).
Genomic context (GRCh38, chr12:132,680,046, plus strand): 5'-CTTTTGCAATTTTGCCCTGAAACTTCTTGGAGAGAAAAGATGAAACTTCTCGCTCACAAC[C>G]CTAATCAGGATCAGAATGAAAAGGCTTTCCATTGGTAAAATACATTTCCTTCCTTGCCTA-3'
Protein context (NP_006222.2, residues 101-121): KPYFYIATRK[Gly111Arg]CEREVSSFLS

ClinVar aggregate classification (germline): Uncertain significance (1 of 4 stars; one submission).

Submission:

Labcorp Genetics (formerly Invitae), Labcorp
Classification: Uncertain significance. Last evaluated: 2024-06-24. Review status: criteria provided, single submitter. Criteria: Invitae Variant Classification Sherloc (09022015). Collection method: clinical testing. Allele origin: germline.
Comment: This sequence change replaces glycine, which is neutral and non-polar, with arginine, which is basic and polar, at codon 111 of the POLE protein (p.Gly111Arg). This variant is not present in population databases (gnomAD no frequency). This variant has not been reported in the literature in individuals affected with POLE-related conditions. An algorithm developed to predict the effect of missense changes on protein structure and function (PolyPhen-2) suggests that this variant is likely to be disruptive. Algorithms developed to predict the effect of sequence changes on RNA splicing suggest that this variant may disrupt the consensus splice site. In summary, the available evidence is currently insufficient to determine the role of this variant in disease. Therefore, it has been classified as a Variant of Uncertain Significance.